The following is an entry in ClinVar:

NM_015557.3(CHD5):c.4540G>A (p.Val1514Ile)

Gene: CHD5 (chromodomain helicase DNA binding protein 5; minus strand). Cytogenetic location: 1p36.31.
Variant type: single nucleotide variant.
Coding change: c.4540G>A on transcript NM_015557.3 (MANE Select); coding-DNA position 4540, G replaced by A.
Protein change: p.Val1514Ile; replaces valine 1514 with isoleucine.
Molecular consequence: missense variant.
Genome position (GRCh38, 1-based): chr1:6,124,107, C>T on the plus strand (G>A on the coding strand, the complement: CHD5 is on the minus strand). VCF-style: chr1-6124107-C-T. GRCh37 (hg19) VCF-style: chr1-6184167-C-T.
Other names: short protein forms V1514I.
Identifiers: ClinVar variation 5008477 (VCV005008477.1).

ClinVar aggregate classification (germline): Uncertain significance (1 of 4 stars; one submission).

Submission:

GeneDx
Classification: Uncertain significance. Last evaluated: 2026-03-07. Review status: criteria provided, single submitter. Criteria: GeneDx Variant Classification Process June 2021. Collection method: clinical testing. Allele origin: germline.
Comment: Not observed at significant frequency in large population cohorts (gnomAD); In silico analysis suggests that this missense variant does not alter protein structure/function; Has not been previously published as pathogenic or benign to our knowledge